The following is an entry in ClinVar:

ClinVar aggregate classification (germline): Uncertain significance. Review status: criteria provided, multiple submitters, no conflicts (2 of 4 stars). 2 submissions from 2 submitters: Uncertain significance (2). Last evaluated 2026-01-01.

Conditions:
Inborn genetic diseases. Identifiers: MedGen C0950123, MeSH D030342.

Submissions (2):

CeGaT Center for Human Genetics Tuebingen
Classification: Uncertain significance. Last evaluated: 2026-01-01. Review status: criteria provided, single submitter. Criteria: CeGaT Center For Human Genetics Tuebingen Variant Classification Criteria Version 2. Collection method: clinical testing. Allele origin: germline. Affected: yes. Observed: 1 variant allele.
Comment: CFC1: PM2, BP4

Ambry Genetics
Classification: Uncertain significance for Inborn genetic diseases. Last evaluated: 2024-06-30. Review status: criteria provided, single submitter. Criteria: Ambry Variant Classification Scheme 2023. Collection method: clinical testing. Allele origin: germline.

NM_032545.4(CFC1):c.97G>A (p.Gly33Ser)

Gene: CFC1 (cryptic, EGF-CFC family member 1; minus strand). Cytogenetic location: 2q21.1.
Variant type: single nucleotide variant.
Coding change: c.97G>A on transcript NM_032545.4 (MANE Select); coding-DNA position 97, G replaced by A.
Protein change: p.Gly33Ser; replaces glycine 33 with serine.
Molecular consequence: missense variant.
Genome position (GRCh38, 1-based): chr2:130,598,792, C>T on the plus strand (G>A on the coding strand, the complement: CFC1 is on the minus strand). VCF-style: chr2-130598792-C-T. GRCh37 (hg19) VCF-style: chr2-131356365-C-T.
Other names: c.97G>A, p.Gly33Ser (NM_001270420.2, NM_001270421.2); short protein forms G33S.
Identifiers: ClinVar variation 3491522 (VCV003491522.5).
Genomic context (GRCh38, chr2:130,598,792, plus strand): 5'-AGTTGAGCGGTGACTGTCGGTGCTTCTGAGTGGCAACCTTGGTGACTTCCTCTCTACCGC[C>T]GTTATGTTTCTCTCTTTGATAGCCTTTAAAAAATATTGAAAATGTGAGACTGATAATGAT-3'
Protein context (NP_115934.1, residues 23-43): GNSYQREKHN[Gly33Ser]GREEVTKVAT